The following is an entry in ClinVar:

NM_001009944.3(PKD1):c.1291C>T (p.Gln431Ter)

Gene: PKD1 (polycystin 1, transient receptor potential channel interacting; minus strand). Cytogenetic location: 16p13.3.
Variant type: single nucleotide variant.
Coding change: c.1291C>T on transcript NM_001009944.3 (MANE Select); coding-DNA position 1291, C replaced by T.
Protein change: p.Gln431Ter; replaces glutamine 431 with a stop codon.
Molecular consequence: nonsense.
Genome position (GRCh38, 1-based): chr16:2,117,583, G>A on the plus strand (C>T on the coding strand, the complement: PKD1 is on the minus strand). VCF-style: chr16-2117583-G-A. GRCh37 (hg19) VCF-style: chr16-2167584-G-A.
Other names: c.1291C>T, p.Gln431Ter (NM_000296.4); short protein forms Q431*.
Identifiers: ClinVar variation 3254914 (VCV003254914.2), dbSNP rs2544876167.

ClinVar aggregate classification (germline): Pathogenic (1 of 4 stars; one submission).

Conditions:
Polycystic kidney disease, adult type (PKD1). Also called: Polycystic Kidney Disease 1, Autosomal Dominant; Polycystic kidney disease 1; Polycystic kidney disease 1, severe; POLYCYSTIC KIDNEY DISEASE 1 WITH OR WITHOUT POLYCYSTIC LIVER DISEASE; POLYCYSTIC KIDNEY DISEASE, ADULT, TYPE I; Polycystic Kidney, Autosomal Dominant. Identifiers: MedGen C3149841, MONDO:0008263, OMIM 173900.

Submission:

Victorian Clinical Genetics Services, Murdoch Childrens Research Institute
Classification: Pathogenic for Polycystic kidney disease, adult type. Last evaluated: 2024-09-23. Review status: criteria provided, single submitter. Criteria: ACMG Guidelines, 2015. Collection method: clinical testing. Allele origin: germline. Inheritance: Autosomal dominant inheritance. Affected: yes.
Comment: Based on the classification scheme VCGS_Germline_v1.3.4, this variant is classified as Pathogenic. Following criteria are met: 0102 - Loss of function is a known mechanism of disease in this gene and is associated with polycystic kidney disease 1 (MIM#173900). (I) 0107 - This gene is associated with autosomal dominant disease. Polycystic kidney disease 1 (MIM#173900) is predominantly caused by monoallelic variants, with rare reports of biallelic variants causing disease (OMIM). (I) 0201 - Variant is predicted to cause nonsense-mediated decay (NMD) and loss of protein (premature termination codon is located at least 54 nucleotides upstream of the final exon-exon junction). (SP) 0251 - This variant is heterozygous. (I) 0301 - Variant is absent from gnomAD (both v2 and v3). (SP) 0701 - Other NMD predicted variants comparable to the one identified in this case have very strong previous evidence for pathogenicity (DECIPHER). (SP) 0803 - This variant has limited previous evidence of pathogenicity in unrelated individuals. This variant has been observed in two individuals with polycystic kidney disease (PMIDs: 31056860, 26150605). (SP) 0905 - No published segregation evidence has been identified for this variant. (I) 1007 - No published functional evidence has been identified for this variant. (I) 1208 - Inheritance information for this variant is not currently available in this individual. (I) Legend: (SP) - Supporting pathogenic, (I) - Information, (SB) - Supporting benign

Literature cited by the submitters: PubMed 26150605; PubMed 31056860.